The following is an entry in ClinVar:

ClinVar aggregate classification (germline): Likely benign (1 of 4 stars; one submission).

Conditions:
Hyperglycinuria. Also called: GLYCINURIA WITH OR WITHOUT OXALATE NEPHROLITHIASIS; GLYCINURIA WITH OR WITHOUT OXALATE UROLITHIASIS; IMINOGLYCINURIA TYPE II. Identifiers: MedGen C0543541, MONDO:0007677, OMIM 138500, HP:0003108.

Allele frequency attached by ClinVar (database versions not stated): 1000 Genomes Project 30x 0.00078; 1000 Genomes Project 0.00080; TOPMed 0.00094; gnomAD exomes 0.00103; gnomAD 0.00109 and 0.00113.
gnomAD v4.1: 174 of 160,460 alleles (0.11%); highest among the groups gnomAD compares: Non-Finnish European, 0.19%; no homozygotes.

Submission:

Illumina Laboratory Services, Illumina
Classification: Likely benign for Hyperglycinuria. Last evaluated: 2018-01-13. Review status: criteria provided, single submitter. Criteria: ICSL Variant Classification Criteria 13 December 2019. Collection method: clinical testing. Allele origin: germline.
Comment: This variant was observed in the ICSL laboratory as part of a predisposition screen in an ostensibly healthy population. It had not been previously curated by ICSL or reported in the Human Gene Mutation Database (HGMD: prior to June 1st, 2018), and was therefore a candidate for classification through an automated scoring system. Utilizing variant allele frequency, disease prevalence and penetrance estimates, and inheritance mode, an automated score was calculated to assess if this variant is too frequent to cause the disease. Based on the score and internal cut-off values, a variant classified as likely benign is not then subjected to further curation. The score for this variant resulted in a classification of likely benign for this disease.

NM_020208.4(SLC6A20):c.*1345T>C

Gene: SLC6A20 (solute carrier family 6 member 20; minus strand). Cytogenetic location: 3p21.31.
Variant type: single nucleotide variant.
Coding change: c.*1345T>C on transcript NM_020208.4 (MANE Select); 1345 bases downstream of the stop codon, T replaced by C.
Molecular consequence: 3 prime UTR variant.
Genome position (GRCh38, 1-based): chr3:45,757,633, A>G on the plus strand (T>C on the coding strand, the complement: SLC6A20 is on the minus strand). VCF-style: chr3-45757633-A-G. GRCh37 (hg19) VCF-style: chr3-45799125-A-G.
Other names: c.*1345T>C (NM_022405.4).
Identifiers: ClinVar variation 345373 (VCV000345373.5), dbSNP rs531832972, ClinGen allele CA10615971.